The following is an entry in ClinVar:

NM_001130987.2(DYSF):c.2972C>T (p.Thr991Ile)

Gene: DYSF (dysferlin; plus strand). Cytogenetic location: 2p13.2.
Variant type: single nucleotide variant.
Coding change: c.2972C>T on transcript NM_001130987.2 (MANE Select); coding-DNA position 2972, C replaced by T.
Protein change: p.Thr991Ile; replaces threonine 991 with isoleucine.
Molecular consequence: missense variant.
Genome position (GRCh38, 1-based): chr2:71,569,927, C>T. VCF-style: chr2-71569927-C-T. GRCh37 (hg19) VCF-style: chr2-71797057-C-T.
Other names: c.2921C>T, p.Thr974Ile (NM_001130455.2, NM_001130983.2); c.2876C>T, p.Thr959Ile (NM_001130976.2, NM_001130977.2); c.2918C>T, p.Thr973Ile (NM_001130978.2, NM_003494.4); c.3011C>T, p.Thr1004Ile (NM_001130979.2); c.2969C>T, p.Thr990Ile (NM_001130980.2, NM_001130981.2); c.3014C>T, p.Thr1005Ile (NM_001130982.2); c.2879C>T, p.Thr960Ile (NM_001130984.2, NM_001130986.2); c.2972C>T, p.Thr991Ile (NM_001130985.2); short protein forms T973I, T991I, T960I, T990I, T1004I, T1005I, T959I, T974I.
Identifiers: ClinVar variation 1402966 (VCV001402966.6), dbSNP rs2152814108, ClinGen allele CA347216238.

ClinVar aggregate classification (germline): Uncertain significance (1 of 4 stars; one submission).

Conditions:
Neuromuscular disease caused by qualitative or quantitative defects of dysferlin. Also called: Qualitative or quantitative defects of dysferlin; Dysferlinopathy. Identifiers: Orphanet 207073, MedGen C2931687, MONDO:0016145.

gnomAD v4.1: 2 of 1,613,942 alleles (0.00012%); highest among the groups gnomAD compares: Non-Finnish European, 0.000085%; no homozygotes.

Submission:

Labcorp Genetics (formerly Invitae), Labcorp
Classification: Uncertain significance for Neuromuscular disease caused by qualitative or quantitative defects of dysferlin. Last evaluated: 2022-03-18. Review status: criteria provided, single submitter. Criteria: Invitae Variant Classification Sherloc (09022015). Collection method: clinical testing. Allele origin: germline.
Comment: This sequence change replaces threonine, which is neutral and polar, with isoleucine, which is neutral and non-polar, at codon 973 of the DYSF protein (p.Thr973Ile). This variant is not present in population databases (gnomAD no frequency). This variant has not been reported in the literature in individuals affected with DYSF-related conditions. Advanced modeling of protein sequence and biophysical properties (such as structural, functional, and spatial information, amino acid conservation, physicochemical variation, residue mobility, and thermodynamic stability) performed at Invitae indicates that this missense variant is expected to disrupt DYSF protein function. In summary, the available evidence is currently insufficient to determine the role of this variant in disease. Therefore, it has been classified as a Variant of Uncertain Significance.